The following is an entry in ClinVar:

ClinVar aggregate classification (germline): Likely pathogenic (1 of 4 stars; one submission).

Conditions:
COL1A1-related disorder. Also called: COL1A1-related condition; COL1A1- related disease.

Submission:

Suma Genomics
Classification: Likely pathogenic for COL1A1- related disease. Last evaluated: 2026-09-08. Review status: criteria provided, single submitter. Criteria: ACMG Guidelines, 2015. Collection method: clinical testing. Allele origin: germline. Inheritance: Autosomal dominant inheritance. Affected: yes. Observed: 1 variant allele, 1 heterozygote.
Comment: This variant is not observed in the gnomAD database. ACMG classification: Likely pathogenic Criteria met: PVS1: Null variant in a gene where loss of function is a known mechanism of disease PM2_supporting: Extremely low frequency in gnomAD population databases

NM_000088.4(COL1A1):c.3349del (p.Gln1117fs)

Gene: COL1A1 (collagen type I alpha 1 chain; minus strand). Cytogenetic location: 17q21.33.
Variant type: Deletion.
Coding change: c.3349del on transcript NM_000088.4 (MANE Select); coding-DNA position 3349, one base deleted (C; older notation c.3349delC).
Protein change: p.Gln1117fs; shifts the reading frame from glutamine 1117.
Molecular consequence: frameshift variant.
Genome position (GRCh38, 1-based): chr17:50,187,896, G deleted on the plus strand (C on the coding strand, the reverse complement: COL1A1 is on the minus strand); the first of 2 consecutive G bases (chr17:50,187,896-50,187,897); deleting either gives the same sequence. VCF-style (leftmost placement, unchanged base first): chr17-50187895-TG-T. GRCh37 (hg19) VCF-style: chr17-48265256-TG-T.
Other names: short protein forms Q1117fs.
Identifiers: ClinVar variation 5016505 (VCV005016505.1).